The following is an entry in ClinVar:

ClinVar aggregate classification (germline): Uncertain significance (1 of 4 stars; one submission).

Conditions:
Tuberous sclerosis 1 (TSC1). Identifiers: Orphanet 805, MedGen C1854465, MONDO:0008612, OMIM 191100.

Submission:

Labcorp Genetics (formerly Invitae), Labcorp
Classification: Uncertain significance for Tuberous sclerosis 1. Last evaluated: 2021-12-13. Review status: criteria provided, single submitter. Criteria: Invitae Variant Classification Sherloc (09022015). Collection method: clinical testing. Allele origin: germline.
Comment: Algorithms developed to predict the effect of missense changes on protein structure and function are either unavailable or do not agree on the potential impact of this missense change (SIFT: "Deleterious"; PolyPhen-2: "Probably Damaging"; Align-GVGD: "Class C0"). This sequence change replaces valine, which is neutral and non-polar, with glycine, which is neutral and non-polar, at codon 220 of the TSC1 protein (p.Val220Gly). This variant is not present in population databases (gnomAD no frequency). This variant has not been reported in the literature in individuals affected with TSC1-related conditions. In summary, the available evidence is currently insufficient to determine the role of this variant in disease. Therefore, it has been classified as a Variant of Uncertain Significance.

NM_000368.5(TSC1):c.659T>G (p.Val220Gly)

Gene: TSC1 (TSC complex subunit 1; minus strand). Cytogenetic location: 9q34.13.
Variant type: single nucleotide variant.
Coding change: c.659T>G on transcript NM_000368.5 (MANE Select); coding-DNA position 659, T replaced by G.
Protein change: p.Val220Gly; replaces valine 220 with glycine.
Molecular consequence: missense variant.
Genome position (GRCh38, 1-based): chr9:132,921,823, A>C on the plus strand (T>G on the coding strand, the complement: TSC1 is on the minus strand). VCF-style: chr9-132921823-A-C. GRCh37 (hg19) VCF-style: chr9-135797210-A-C.
Other names: c.659T>G, p.Val220Gly (NM_001162426.2, NM_001406592.1, NM_001406593.1 and 16 more transcripts); c.506T>G, p.Val169Gly (NM_001162427.2, NM_001406610.1, NM_001406611.1 and 2 more transcripts); c.296T>G, p.Val99Gly (NM_001362177.2, NM_001406614.1, NM_001406615.1 and 10 more transcripts); c.-219T>G (NM_001406626.1, NM_001406627.1, NM_001406628.1); c.-361T>G (NM_001406629.1); c.-435T>G (NM_001406630.1); short protein forms V169G, V220G, V99G.
Identifiers: ClinVar variation 2041599 (VCV002041599.4), dbSNP rs2132149285, ClinGen allele CA375371623.